The following is an entry in ClinVar:

ClinVar aggregate classification (germline): Uncertain significance (1 of 4 stars; one submission).

Conditions:
Familial acute necrotizing encephalopathy (IIAE3). Also called: ENCEPHALOPATHY, ACUTE, INFECTION-INDUCED, SUSCEPTIBILITY TO, 3; Susceptibility to Acute Necrotizing Encephalopathy 1. Identifiers: Orphanet 88619, MedGen C2675556, MONDO:0011953, OMIM 608033.

Allele frequency attached by ClinVar (database versions not stated): gnomAD exomes below 0.00001 and 0.00002; TOPMed 0.00001; gnomAD 0.00003.
gnomAD v4.1: 9 of 1,611,770 alleles (0.00056%); highest among the groups gnomAD compares: Admixed American, 0.0067%; no homozygotes.

Submission:

Labcorp Genetics (formerly Invitae), Labcorp
Classification: Uncertain significance for Familial acute necrotizing encephalopathy. Last evaluated: 2022-07-19. Review status: criteria provided, single submitter. Criteria: Invitae Variant Classification Sherloc (09022015). Collection method: clinical testing. Allele origin: germline.
Comment: In summary, the available evidence is currently insufficient to determine the role of this variant in disease. Therefore, it has been classified as a Variant of Uncertain Significance. Algorithms developed to predict the effect of missense changes on protein structure and function are either unavailable or do not agree on the potential impact of this missense change (SIFT: "Deleterious"; PolyPhen-2: "Benign"; Align-GVGD: "Class C25"). ClinVar contains an entry for this variant (Variation ID: 860572). This variant has not been reported in the literature in individuals affected with RANBP2-related conditions. This variant is present in population databases (no rsID available, gnomAD 0.01%). This sequence change replaces arginine, which is basic and polar, with lysine, which is basic and polar, at codon 689 of the RANBP2 protein (p.Arg689Lys).

NM_006267.5(RANBP2):c.2066G>A (p.Arg689Lys)

Gene: RANBP2 (RAN binding protein 2; plus strand). Cytogenetic location: 2q13.
Variant type: single nucleotide variant.
Coding change: c.2066G>A on transcript NM_006267.5 (MANE Select); coding-DNA position 2066, G replaced by A.
Protein change: p.Arg689Lys; replaces arginine 689 with lysine.
Molecular consequence: missense variant.
Genome position (GRCh38, 1-based): chr2:108,753,835, G>A. VCF-style: chr2-108753835-G-A. GRCh37 (hg19) VCF-style: chr2-109370291-G-A.
Other names: short protein forms R689K.
Identifiers: ClinVar variation 860572 (VCV000860572.7), dbSNP rs1220611752, ClinGen allele CA348054047.